The following is an entry in ClinVar:

NM_001267550.2(TTN):c.53063_53066del (p.Lys17688fs)

Genes: TTN (titin; minus strand), TTN-AS1 (TTN antisense RNA 1; plus strand), LOC126806425 (BRD4-independent group 4 enhancer GRCh37_chr2:179471933-179473132; plus strand). Cytogenetic location: 2q31.2.
Variant type: Deletion.
Coding change: c.53063_53066del on transcript NM_001267550.2 (MANE Select); coding-DNA positions 53063 to 53066, 4 bases deleted (AGAC; older notation c.53063_53066delAGAC).
Protein change: p.Lys17688fs; shifts the reading frame from lysine 17688.
Molecular consequence: frameshift variant.
Genome position (GRCh38, 1-based): chr2:178,607,622-178,607,625, GTCT deleted on the plus strand (AGAC on the coding strand, the reverse complement: TTN is on the minus strand). VCF-style (leftmost placement, unchanged base first): chr2-178607621-AGTCT-A. GRCh37 (hg19) VCF-style: chr2-179472348-AGTCT-A.
Other names: c.48140_48143del, p.Lys16047fs (NM_001256850.1); c.25868_25871del, p.Lys8623fs (NM_003319.4); c.45359_45362del, p.Lys15120fs (NM_133378.4); c.26243_26246del, p.Lys8748fs (NM_133432.3); c.26444_26447del, p.Lys8815fs (NM_133437.4); short protein forms K15120fs, K16047fs, K17688fs, K8623fs, K8748fs, K8815fs.
Identifiers: ClinVar variation 3759938 (VCV003759938.2).

ClinVar aggregate classification (germline): Likely pathogenic (1 of 4 stars; one submission).

Conditions:
Dilated cardiomyopathy 1G (CMD1G). Identifiers: Orphanet 154, MedGen C1858763, MONDO:0011400, OMIM 604145.
Autosomal recessive limb-girdle muscular dystrophy type 2J (LGMDR10). Also called: Limb-girdle muscular dystrophy, type 2J; MUSCULAR DYSTROPHY, LIMB-GIRDLE, AUTOSOMAL RECESSIVE 10. Identifiers: Orphanet 140922, MedGen C1837342, MONDO:0012127, OMIM 608807.

Submission:

Labcorp Genetics (formerly Invitae), Labcorp
Classification: Likely pathogenic for Dilated cardiomyopathy 1G; Autosomal recessive limb-girdle muscular dystrophy type 2J. Last evaluated: 2024-12-02. Review status: criteria provided, single submitter. Criteria: Invitae Variant Classification Sherloc (09022015). Collection method: clinical testing. Allele origin: germline.
Comment: This sequence change creates a premature translational stop signal (p.Lys17688Ilefs*8) in the TTN gene. While this is not anticipated to result in nonsense mediated decay, it is expected to create a truncated TTN protein. This variant is not present in population databases (gnomAD no frequency). This variant has not been reported in the literature in individuals affected with TTN-related conditions. This variant is located in the A band of TTN (PMID: 25589632). Truncating variants in this region are significantly overrepresented in patients affected with dilated cardiomyopathy (PMID: 25589632). Truncating variants in this region have also been reported in individuals affected with autosomal recessive centronuclear myopathy (PMID: 23975875). In summary, the currently available evidence indicates that the variant is pathogenic, but additional data are needed to prove that conclusively. Therefore, this variant has been classified as Likely Pathogenic.

Literature cited by the submitters: PubMed 25589632; PubMed 23975875.